The following is an entry in ClinVar:

ClinVar aggregate classification (germline): Benign. Review status: reviewed by expert panel (3 of 4 stars). 12 submissions from 11 submitters: Benign (1). 11 of the submissions do not count toward it. Last evaluated 2025-11-19.

Conditions:
Anterior segment dysgenesis 6 (ASGD6). Also called: Anterior segment dysgenesis 6, multiple subtypes. Identifiers: MedGen C4310623, MONDO:0015016, OMIM 617315.
Glaucoma 3, primary infantile, B. Also called: GLC3B; GLAUCOMA, PRIMARY CONGENITAL, TYPE B; GLC3 type B; Primary congenital glaucoma type 3B; Glaucoma primary congenita type 3B. Identifiers: Orphanet 98976, MedGen C1832977, MONDO:0010968, OMIM 600975.
Glaucoma 3A. Also called: Glaucoma 3, primary congenital, A. Identifiers: Orphanet 98976, Orphanet 98977, MedGen C1856439, MONDO:0009277, OMIM 231300.
CYP1B1-related glaucoma with or without anterior segment dysgenesis. Identifiers: MedGen CN375931, MONDO:0800472.
Congenital glaucoma. Identifiers: MedGen C0020302, MONDO:0020366.

Allele frequency attached by ClinVar (database versions not stated): TOPMed 0.12432; 1000 Genomes Project 30x 0.09822; 1000 Genomes Project 0.09964; gnomAD 0.11965; ESP Exome Variant Server 0.13494.
gnomAD v4.1: 276,228 of 1,614,006 alleles (17%); highest among the groups gnomAD compares: South Asian, 23%; 25,836 homozygotes.

Submissions (12):

ClinGen Glaucoma Variant Curation Expert Panel
Classification: Benign for CYP1B1-related glaucoma with or without anterior segment dysgenesis. Last evaluated: 2025-11-19. Review status: reviewed by expert panel. Criteria: ClinGen CYP1B1 ACMG Specifications V1 Approved. Collection method: curation. Allele origin: germline. Inheritance: Autosomal recessive inheritance.
Comment: The c.1358A>G variant in CYP1B1 is a missense variant predicted to cause substitution of Asparagine by Serine at amino acid 453 (p.Asn453Ser). The highest minor allele frequency of this variant was in the South Asian genetic ancestry group of gnomAD (v4.1.0) = 0.2284, which met the ≥ 0.05 threshold set for BA1 (20,801 alleles out of 91,086, meeting the threshold of ≥ 5 of at least 2,000 observed alleles). The REVEL score = 0.264, which is within the 0.184-0.290 range for BP4 and this variant was not predicted to affect splicing, as assessed with SpliceAI (≤ 0.1), suggesting that the variant does not impact CYP1B1 function. PS3_Supporting was not applied as the assays reported in PMIDs: 11854439, 10910054 did not meet the OddsPath threshold (> 2.1). In summary, this variant was classified as benign (BA1 is a stand-alone criterion for a benign level of pathogenicity) for CYP1B1-related glaucoma with or without anterior segment dysgenesis (ASD) based on the ACMG/AMP criteria met, as specified by the ClinGen Glaucoma VCEP (v1.0, 06.11.2025): BA1, BP4

Labcorp Genetics (formerly Invitae), Labcorp
Classification: Benign for Congenital glaucoma. Last evaluated: 2026-02-04. Review status: criteria provided, single submitter. Criteria: Invitae Variant Classification Sherloc (09022015). Collection method: clinical testing. Allele origin: germline. Not counted in ClinVar's aggregate classification.

Fulgent Genetics
Classification: Likely benign for Glaucoma 3A; Glaucoma 3, primary infantile, B; Anterior segment dysgenesis 6. Last evaluated: 2022-05-12. Review status: criteria provided, single submitter. Criteria: ACMG Guidelines, 2015. Collection method: clinical testing. Allele origin: unknown. Not counted in ClinVar's aggregate classification.

Women's Health and Genetics/Laboratory Corporation of America, LabCorp
Classification: Likely benign. Last evaluated: 2021-12-03. Review status: criteria provided, single submitter. Criteria: LabCorp Variant Classification Summary - May 2015. Collection method: clinical testing. Allele origin: germline. Not counted in ClinVar's aggregate classification.

Genome-Nilou Lab
Classification: Benign for Anterior segment dysgenesis 6. Last evaluated: 2021-07-30. Review status: criteria provided, single submitter. Criteria: ACMG Guidelines, 2015. Collection method: clinical testing. Allele origin: germline. Affected: no. Not counted in ClinVar's aggregate classification.

Genome-Nilou Lab
Classification: Benign for Glaucoma 3A. Last evaluated: 2021-07-30. Review status: criteria provided, single submitter. Criteria: ACMG Guidelines, 2015. Collection method: clinical testing. Allele origin: germline. Affected: no. Not counted in ClinVar's aggregate classification.

Illumina Laboratory Services, Illumina
Classification: Likely benign for Glaucoma 3A. Last evaluated: 2017-04-27. Review status: criteria provided, single submitter. Criteria: ICSL Variant Classification Criteria 13 December 2019. Collection method: clinical testing. Allele origin: germline. Not counted in ClinVar's aggregate classification.
Comment: This variant was observed as part of a predisposition screen in an ostensibly healthy population. A literature search was performed for the gene, cDNA change, and amino acid change (where applicable). Publications were found based on this search. The evidence from the literature, in combination with allele frequency data from public databases where available, was sufficient to determine this variant is unlikely to cause disease. Therefore, this variant is classified as likely benign.

CeGaT Center for Human Genetics Tuebingen
Classification: Likely benign. Last evaluated: 2016-10-01. Review status: criteria provided, single submitter. Criteria: CeGaT Center For Human Genetics Tuebingen Variant Classification Criteria Version 2. Collection method: clinical testing. Allele origin: germline. Affected: yes. Observed: 1 variant allele. Not counted in ClinVar's aggregate classification.

GeneDx
Classification: Benign. Last evaluated: 2015-03-03. Review status: criteria provided, single submitter. Criteria: GeneDx Variant Classification Process June 2021. Collection method: clinical testing. Allele origin: germline. Affected: yes. Not counted in ClinVar's aggregate classification.
Comment: This variant is associated with the following publications: (PMID: 15958554, 11854439, 15486049, 23861929, 10426814, 24604202)

Eurofins Ntd Llc (ga)
Classification: Benign. Last evaluated: 2014-03-03. Review status: criteria provided, single submitter. Criteria: EGL Classification Definitions 2015. Collection method: clinical testing. Allele origin: germline. Observed: 2 variant alleles, 2 heterozygotes. Not counted in ClinVar's aggregate classification.

Breakthrough Genomics
Classification: Likely benign. Review status: criteria provided, single submitter. Criteria: ACMG Guidelines, 2015. Collection method: not provided. Allele origin: germline. Inheritance: Autosomal recessive inheritance. Affected: yes. Not counted in ClinVar's aggregate classification.

PreventionGenetics, part of Exact Sciences
Classification: Benign. Review status: criteria provided, single submitter. Criteria: ACMG Guidelines, 2015. Collection method: clinical testing. Allele origin: germline. Not counted in ClinVar's aggregate classification.

Literature cited by the submitters: PubMed 10426814 (cited by Illumina Laboratory Services, Illumina).

NM_000104.4(CYP1B1):c.1358A>G (p.Asn453Ser)

Genes: CYP1B1 (cytochrome P450 family 1 subfamily B member 1; minus strand), LOC128772254 (melanoma risk locus-associated MPRA allelic enhancer 2:38298139; plus strand). Cytogenetic location: 2p22.2.
Variant type: single nucleotide variant.
Coding change: c.1358A>G on transcript NM_000104.4 (MANE Select); coding-DNA position 1358, A replaced by G.
Protein change: p.Asn453Ser; replaces asparagine 453 with serine.
Molecular consequence: missense variant.
Genome position (GRCh38, 1-based): chr2:38,070,996, T>C on the plus strand (A>G on the coding strand, the complement: CYP1B1 is on the minus strand). VCF-style: chr2-38070996-T-C. GRCh37 (hg19) VCF-style: chr2-38298139-T-C.
Other names: NM_000104.4(CYP1B1):c.1358A>G; short protein forms N453S.
Identifiers: ClinVar variation 166969 (VCV000166969.60), dbSNP rs1800440, ClinGen allele CA179945.